The following is an entry in ClinVar:

ClinVar aggregate classification (germline): Uncertain significance (1 of 4 stars; one submission).

Conditions:
Pyruvate carboxylase deficiency. Also called: ATAXIA WITH LACTIC ACIDOSIS II; Pyruvate Carboxylase Deficiency Disease; LEIGH NECROTIZING ENCEPHALOPATHY DUE TO PYRUVATE CARBOXYLASE DEFICIENCY; LEIGH SYNDROME DUE TO PYRUVATE CARBOXYLASE DEFICIENCY; PC DEFICIENCY. Identifiers: Orphanet 3008, MedGen C0034341, MONDO:0009949, OMIM 266150.

Allele frequency attached by ClinVar (database versions not stated): gnomAD exomes below 0.00001.
gnomAD v4.1: 1 of 1,601,332 alleles (0.000062%); highest among the groups gnomAD compares: Admixed American, 0.0017%; no homozygotes.

Submission:

Labcorp Genetics (formerly Invitae), Labcorp
Classification: Uncertain significance for Pyruvate carboxylase deficiency. Last evaluated: 2022-08-17. Review status: criteria provided, single submitter. Criteria: Invitae Variant Classification Sherloc (09022015). Collection method: clinical testing. Allele origin: germline.
Comment: In summary, the available evidence is currently insufficient to determine the role of this variant in disease. Therefore, it has been classified as a Variant of Uncertain Significance. Algorithms developed to predict the effect of missense changes on protein structure and function output the following: SIFT: "Tolerated"; PolyPhen-2: "Benign"; Align-GVGD: "Class C0". The alanine amino acid residue is found in multiple mammalian species, which suggests that this missense change does not adversely affect protein function. This variant has not been reported in the literature in individuals affected with PC-related conditions. This variant is not present in population databases (gnomAD no frequency). This sequence change replaces threonine, which is neutral and polar, with alanine, which is neutral and non-polar, at codon 525 of the PC protein (p.Thr525Ala).

NM_001040716.2(PC):c.1573A>G (p.Thr525Ala)

Gene: PC (pyruvate carboxylase; minus strand). Cytogenetic location: 11q13.2.
Variant type: single nucleotide variant.
Coding change: c.1573A>G on transcript NM_001040716.2 (MANE Select); coding-DNA position 1573, A replaced by G.
Protein change: p.Thr525Ala; replaces threonine 525 with alanine.
Molecular consequence: missense variant.
Genome position (GRCh38, 1-based): chr11:66,852,777, T>C on the plus strand (A>G on the coding strand, the complement: PC is on the minus strand). VCF-style: chr11-66852777-T-C. GRCh37 (hg19) VCF-style: chr11-66620248-T-C.
Other names: c.1573A>G, p.Thr525Ala (NM_000920.4, NM_022172.3); short protein forms T525A.
Identifiers: ClinVar variation 1713861 (VCV001713861.5), dbSNP rs2495494437, ClinGen allele CA381495816.